The following is an entry in ClinVar:

ClinVar aggregate classification (germline): Uncertain significance. Review status: criteria provided, multiple submitters, no conflicts (2 of 4 stars). 2 submissions from 2 submitters: Uncertain significance (2). Last evaluated 2023-07-21.

Conditions:
Inborn genetic diseases. Identifiers: MedGen C0950123, MeSH D030342.
COL4A3-related disorder. Also called: COL4A3-related condition; COL4A3-Related Disorders.

Allele frequency attached by ClinVar (database versions not stated): ESP Exome Variant Server 0.00017.
gnomAD v4.1: 310 of 1,613,814 alleles (0.019%); highest among the groups gnomAD compares: Non-Finnish European, 0.026%; no homozygotes.

Submissions (2):

PreventionGenetics, part of Exact Sciences
Classification: Uncertain significance for COL4A3-related condition. Last evaluated: 2023-07-21. Review status: criteria provided, single submitter. Criteria: ACMG Guidelines, 2015. Collection method: clinical testing. Allele origin: germline.
Comment: The COL4A3 c.247C>G variant is predicted to result in the amino acid substitution p.Leu83Val. To our knowledge, this variant has not been reported in the literature. This variant is reported in 0.0053% of alleles in individuals of European (Non-Finnish) descent in gnomAD. At this time, the clinical significance of this variant is uncertain due to the absence of conclusive functional and genetic evidence.

Ambry Genetics
Classification: Uncertain significance for Inborn genetic diseases. Last evaluated: 2023-03-20. Review status: criteria provided, single submitter. Criteria: Ambry Variant Classification Scheme 2023. Collection method: clinical testing. Allele origin: germline.

NM_000091.5(COL4A3):c.247C>G (p.Leu83Val)

Genes: COL4A3 (collagen type IV alpha 3 chain; plus strand), MFF-DT (MFF divergent transcript; minus strand). Cytogenetic location: 2q36.3.
Variant type: single nucleotide variant.
Coding change: c.247C>G on transcript NM_000091.5 (MANE Select); coding-DNA position 247, C replaced by G.
Protein change: p.Leu83Val; replaces leucine 83 with valine.
Molecular consequence: missense variant.
Genome position (GRCh38, 1-based): chr2:227,244,332, C>G. VCF-style: chr2-227244332-C-G. GRCh37 (hg19) VCF-style: chr2-228109048-C-G.
Other names: short protein forms L83V.
Identifiers: ClinVar variation 2524789 (VCV002524789.3), dbSNP rs372621387, ClinGen allele CA2145964.
Genomic context (GRCh38, chr2:227,244,332, plus strand): 5'-CAAATAATTTTCAGAGTGTTTACTTTTTCTTTTTTCACTTGAATCTAGGGCTTTCCAGGA[C>G]TTCCAGGACTCACGGGTTCCAAAGGTGTAAGGGTTAGTAGTCCAACCAGTCCACCCTGAT-3'
Protein context (NP_000082.2, residues 73-93): GPQGPKGFPG[Leu83Val]PGLTGSKGVR